The following is an entry in ClinVar:

ClinVar aggregate classification (germline): Uncertain significance (1 of 4 stars; one submission).

Submission:

Ambry Genetics
Classification: Uncertain significance. Last evaluated: 2025-01-19. Review status: criteria provided, single submitter. Criteria: Ambry Variant Classification Scheme 2023. Collection method: clinical testing. Allele origin: germline.
Comment: The p.P1043L variant (also known as c.3128C>T), located in coding exon 12 of the WNK2 gene, results from a C to T substitution at nucleotide position 3128. The proline at codon 1043 is replaced by leucine, an amino acid with similar properties. This amino acid position is conserved. In addition, this alteration is predicted to be tolerated by in silico analysis. Based on the available evidence, the clinical significance of this variant remains unclear.

NM_006648.4(WNK2):c.3128C>T (p.Pro1043Leu)

Gene: WNK2 (WNK lysine deficient protein kinase 2; plus strand). Cytogenetic location: 9q22.31.
Variant type: single nucleotide variant.
Coding change: c.3128C>T on transcript NM_006648.4 (MANE Select); coding-DNA position 3128, C replaced by T.
Protein change: p.Pro1043Leu; replaces proline 1043 with leucine.
Molecular consequence: missense variant.
Genome position (GRCh38, 1-based): chr9:93,261,875, C>T. VCF-style: chr9-93261875-C-T. GRCh37 (hg19) VCF-style: chr9-96024157-C-T.
Other names: c.3128C>T, p.Pro1043Leu (NM_001282394.3); short protein forms P1043L.
Identifiers: ClinVar variation 3816883 (VCV003816883.1).